The following is an entry in ClinVar:

NM_001375905.1(SGMS2):c.94G>A (p.Glu32Lys)

Genes: CYP2U1-AS1 (CYP2U1 and SGMS2 antisense RNA 1; minus strand), SGMS2 (sphingomyelin synthase 2; plus strand). Cytogenetic location: 4q25.
Variant type: single nucleotide variant.
Coding change: c.94G>A on transcript NM_001375905.1 (MANE Select); coding-DNA position 94, G replaced by A.
Protein change: p.Glu32Lys; replaces glutamic acid 32 with lysine.
Molecular consequence: missense variant. On other transcripts: intron variant (1).
Genome position (GRCh38, 1-based): chr4:107,895,647, G>A. VCF-style: chr4-107895647-G-A. GRCh37 (hg19) VCF-style: chr4-108816803-G-A.
Other names: c.94G>A, p.Glu32Lys (NM_001136257.2, NM_001136258.2, NM_001375906.1 and 4 more transcripts); c.-64-3928G>A (NM_001375911.1); short protein forms E32K.
Identifiers: ClinVar variation 4760321 (VCV004760321.1).
Genomic context (GRCh38, chr4:107,895,647, plus strand): 5'-CATTTGGAAAATCAACCCAGTGATCCTACGAACACTTATGCAAGACCCGCTGAACCTGTT[G>A]AAGAAGAAAACAAAAATGGCAATGGTAAACCCAAGAGCTTATCCAGTGGGCTGCGAAAAG-3'
Protein context (NP_001362834.1, residues 22-42): NTYARPAEPV[Glu32Lys]EENKNGNGKP

ClinVar aggregate classification (germline): Uncertain significance (1 of 4 stars; one submission).

Submission:

Labcorp Genetics (formerly Invitae), Labcorp
Classification: Uncertain significance. Last evaluated: 2026-01-21. Review status: criteria provided, single submitter. Criteria: Invitae Variant Classification Sherloc (09022015). Collection method: clinical testing. Allele origin: germline.
Comment: This sequence change replaces glutamic acid, which is acidic and polar, with lysine, which is basic and polar, at codon 32 of the SGMS2 protein (p.Glu32Lys). This variant is not present in population databases (gnomAD no frequency). This variant has not been reported in the literature in individuals affected with SGMS2-related conditions. An algorithm developed to predict the effect of missense changes on protein structure and function (PolyPhen-2) suggests that this variant is likely to be tolerated. In summary, the available evidence is currently insufficient to determine the role of this variant in disease. Therefore, it has been classified as a Variant of Uncertain Significance.